The following is an entry in ClinVar:

ClinVar aggregate classification (germline): Likely benign (0 of 4 stars; one submission).

Conditions:
MYO9B-related disorder. Also called: MYO9B-related condition.

Allele frequency attached by ClinVar (database versions not stated): gnomAD exomes 0.00006; TOPMed 0.00007; ExAC 0.00009; gnomAD 0.00015; ESP Exome Variant Server 0.00016.
gnomAD v4.1: 112 of 1,613,676 alleles (0.0069%); highest among the groups gnomAD compares: Non-Finnish European, 0.0067%; 1 homozygote.

Submission:

PreventionGenetics, part of Exact Sciences
Classification: Likely benign for MYO9B-related condition. Last evaluated: 2020-01-07. Review status: no assertion criteria provided. Collection method: clinical testing. Allele origin: germline.
Comment: This variant is classified as likely benign based on ACMG/AMP sequence variant interpretation guidelines (Richards et al. 2015 PMID: 25741868, with internal and published modifications).

NM_004145.4(MYO9B):c.2382G>A (p.Leu794=)

Gene: MYO9B (myosin IXB; plus strand). Cytogenetic location: 19p13.11.
Variant type: single nucleotide variant.
Coding change: c.2382G>A on transcript NM_004145.4 (MANE Select); coding-DNA position 2382, G replaced by A.
Protein change: p.Leu794=; no amino-acid change (leucine 794 retained).
Molecular consequence: synonymous variant.
Genome position (GRCh38, 1-based): chr19:17,184,873, G>A. VCF-style: chr19-17184873-G-A. GRCh37 (hg19) VCF-style: chr19-17295682-G-A.
Other names: c.2382G>A, p.Leu794= (NM_001130065.2).
Identifiers: ClinVar variation 3051665 (VCV003051665.2), dbSNP rs369941041, ClinGen allele CA9287587.